The following is an entry in ClinVar:

ClinVar aggregate classification (germline): Uncertain significance (1 of 4 stars; one submission).

Submission:

Labcorp Genetics (formerly Invitae), Labcorp
Classification: Uncertain significance. Last evaluated: 2022-05-18. Review status: criteria provided, single submitter. Criteria: Invitae Variant Classification Sherloc (09022015). Collection method: clinical testing. Allele origin: germline.
Comment: This sequence change replaces serine, which is neutral and polar, with alanine, which is neutral and non-polar, at codon 669 of the ELP1 protein (p.Ser669Ala). This variant is not present in population databases (gnomAD no frequency). This variant has not been reported in the literature in individuals affected with ELP1-related conditions. Algorithms developed to predict the effect of missense changes on protein structure and function are either unavailable or do not agree on the potential impact of this missense change (SIFT: "Tolerated"; PolyPhen-2: "Possibly Damaging"; Align-GVGD: "Class C0"). In summary, the available evidence is currently insufficient to determine the role of this variant in disease. Therefore, it has been classified as a Variant of Uncertain Significance.

NM_003640.5(ELP1):c.2005T>G (p.Ser669Ala)

Gene: ELP1 (elongator acetyltransferase complex subunit 1; minus strand). Cytogenetic location: 9q31.3.
Variant type: single nucleotide variant.
Coding change: c.2005T>G on transcript NM_003640.5 (MANE Select); coding-DNA position 2005, T replaced by G.
Protein change: p.Ser669Ala; replaces serine 669 with alanine.
Molecular consequence: missense variant.
Genome position (GRCh38, 1-based): chr9:108,901,434, A>C on the plus strand (T>G on the coding strand, the complement: ELP1 is on the minus strand). VCF-style: chr9-108901434-A-C. GRCh37 (hg19) VCF-style: chr9-111663714-A-C.
Other names: c.1663T>G, p.Ser555Ala (NM_001318360.2); c.958T>G, p.Ser320Ala (NM_001330749.2); short protein forms S555A, S320A, S669A.
Identifiers: ClinVar variation 2147043 (VCV002147043.4), dbSNP rs1587896793, ClinGen allele CA374423931.